The following is an entry in ClinVar:

ClinVar aggregate classification (germline): Uncertain significance. Review status: criteria provided, multiple submitters, no conflicts (2 of 4 stars). 4 submissions from 4 submitters: Uncertain significance (4). Last evaluated 2026-02-09.

Conditions:
ADGRV1-related disorder. Also called: ADGRV1-related condition; ADGRV1-related disorders.
Inborn genetic diseases. Identifiers: MedGen C0950123, MeSH D030342.

Allele frequency attached by ClinVar (database versions not stated): gnomAD 0.00003; ESP Exome Variant Server 0.00008.
gnomAD v4.1: 39 of 1,613,626 alleles (0.0024%); highest among the groups gnomAD compares: Admixed American, 0.0033%; no homozygotes.

Submissions (4):

PreventionGenetics, part of Exact Sciences
Classification: Uncertain significance for ADGRV1-related condition. Last evaluated: 2026-02-09. Review status: criteria provided, single submitter. Criteria: ACMG Guidelines, 2015. Collection method: clinical testing. Allele origin: germline.
Comment: The ADGRV1 c.6808G>T variant is predicted to result in the amino acid substitution p.Val2270Phe. To our knowledge, this variant has not been reported in the literature. This variant is reported in 0.0029% of alleles in individuals of Latino descent in gnomAD. At this time, the clinical significance of this variant is uncertain due to the absence of conclusive functional and genetic evidence.

Ambry Genetics
Classification: Uncertain significance for Inborn genetic diseases. Last evaluated: 2023-08-04. Review status: criteria provided, single submitter. Criteria: Ambry Variant Classification Scheme 2023. Collection method: clinical testing. Allele origin: germline.

Blueprint Genetics
Classification: Uncertain significance. Last evaluated: 2023-05-10. Review status: criteria provided, single submitter. Criteria: ACMG Guidelines, 2015. Collection method: clinical testing. Allele origin: germline.

Labcorp Genetics (formerly Invitae), Labcorp
Classification: Uncertain significance. Last evaluated: 2022-07-26. Review status: criteria provided, single submitter. Criteria: Invitae Variant Classification Sherloc (09022015). Collection method: clinical testing. Allele origin: germline.
Comment: This sequence change replaces valine, which is neutral and non-polar, with phenylalanine, which is neutral and non-polar, at codon 2270 of the ADGRV1 protein (p.Val2270Phe). This variant is present in population databases (rs376020392, gnomAD 0.003%). This variant has not been reported in the literature in individuals affected with ADGRV1-related conditions. Algorithms developed to predict the effect of missense changes on protein structure and function are either unavailable or do not agree on the potential impact of this missense change (SIFT: "Deleterious"; PolyPhen-2: "Possibly Damaging"; Align-GVGD: "Class C0"). In summary, the available evidence is currently insufficient to determine the role of this variant in disease. Therefore, it has been classified as a Variant of Uncertain Significance.

NM_032119.4(ADGRV1):c.6808G>T (p.Val2270Phe)

Gene: ADGRV1 (adhesion G protein-coupled receptor V1; plus strand). Cytogenetic location: 5q14.3.
Variant type: single nucleotide variant.
Coding change: c.6808G>T on transcript NM_032119.4 (MANE Select); coding-DNA position 6808, G replaced by T.
Protein change: p.Val2270Phe; replaces valine 2270 with phenylalanine.
Molecular consequence: missense variant. On other transcripts: non-coding transcript variant (1).
Genome position (GRCh38, 1-based): chr5:90,690,898, G>T. VCF-style: chr5-90690898-G-T. GRCh37 (hg19) VCF-style: chr5-89986715-G-T.
Other names: c.6808G>T (NM_032119.3); short protein forms V2270F.
Identifiers: ClinVar variation 1953951 (VCV001953951.6), dbSNP rs376020392, ClinGen allele CA3339879.